The following is an entry in ClinVar:

NM_001267550.2(TTN):c.49367G>A (p.Arg16456His)

Genes: TTN (titin; minus strand), TTN-AS1 (TTN antisense RNA 1; plus strand). Cytogenetic location: 2q31.2.
Variant type: single nucleotide variant.
Coding change: c.49367G>A on transcript NM_001267550.2 (MANE Select); coding-DNA position 49367, G replaced by A.
Protein change: p.Arg16456His; replaces arginine 16456 with histidine.
Molecular consequence: missense variant.
Genome position (GRCh38, 1-based): chr2:178,613,916, C>T on the plus strand (G>A on the coding strand, the complement: TTN is on the minus strand). VCF-style: chr2-178613916-C-T. GRCh37 (hg19) VCF-style: chr2-179478643-C-T.
Other names: c.44444G>A, p.Arg14815His (NM_001256850.1); c.22172G>A, p.Arg7391His (NM_003319.4); c.41663G>A, p.Arg13888His (NM_133378.4); c.22547G>A, p.Arg7516His (NM_133432.3); c.22748G>A, p.Arg7583His (NM_133437.4); short protein forms R13888H, R16456H, R7583H, R14815H, R7391H, R7516H.
Identifiers: ClinVar variation 191950 (VCV000191950.13), dbSNP rs768914789, ClinGen allele CA237945.

ClinVar aggregate classification (germline): Conflicting classifications of pathogenicity. Review status: criteria provided, conflicting classifications (1 of 4 stars). 11 submissions from 7 submitters: Uncertain significance (7); Benign (2); Likely benign (2). Last evaluated 2025-03-20.

Conditions:
TTN-related disorder. Also called: TTN-related condition; TTN-related disease; TTN-related disorders.
Cardiovascular phenotype. Identifiers: MedGen CN230736.
Early-onset myopathy with fatal cardiomyopathy (CMYO5). Also called: CONGENITAL MYOPATHY 5 WITH CARDIOMYOPATHY; Salih Myopathy. Identifiers: Orphanet 289377, MedGen C2673677, MONDO:0012714, OMIM 611705. Disease mechanism: loss of function.
Myopathy, myofibrillar, 9, with early respiratory failure (MFM9). Also called: Hereditary myopathy with early respiratory failure; EDSTROM MYOPATHY; MYOPATHY, PROXIMAL, WITH EARLY RESPIRATORY MUSCLE INVOLVEMENT; Myopathy, distal, with early respiratory failure, autosomal dominant. Identifiers: Orphanet 178464, Orphanet 34521, MedGen C1863599, MONDO:0011362, OMIM 603689.
Tibial muscular dystrophy (TMD). Also called: Udd Distal Myopathy – Tibial Muscular Dystrophy; UDD MYOPATHY; Tibial muscular dystrophy, tardive. Identifiers: Orphanet 609, MedGen C1838244, MONDO:0010870, OMIM 600334.
Autosomal recessive limb-girdle muscular dystrophy type 2J (LGMDR10). Also called: Limb-girdle muscular dystrophy, type 2J; MUSCULAR DYSTROPHY, LIMB-GIRDLE, AUTOSOMAL RECESSIVE 10. Identifiers: Orphanet 140922, MedGen C1837342, MONDO:0012127, OMIM 608807.
Dilated cardiomyopathy 1G (CMD1G). Identifiers: Orphanet 154, MedGen C1858763, MONDO:0011400, OMIM 604145.

Allele frequency attached by ClinVar (database versions not stated): gnomAD 0.00006; TOPMed 0.00006.
gnomAD v4.1: 49 of 1,607,698 alleles (0.003%); highest among the groups gnomAD compares: East Asian, 0.018%; no homozygotes.

Submissions (11):

PreventionGenetics, part of Exact Sciences
Classification: Uncertain significance for TTN-related condition. Last evaluated: 2025-03-20. Review status: criteria provided, single submitter. Criteria: ACMG Guidelines, 2015. Collection method: clinical testing. Allele origin: germline.
Comment: The TTN c.49367G>A variant is predicted to result in the amino acid substitution p.Arg16456His. To our knowledge, this variant has not been reported in the literature. This variant is reported in 0.017% of alleles in individuals of South Asian descent in gnomAD. At this time, the clinical significance of this variant is uncertain due to the absence of conclusive functional and genetic evidence.

Women's Health and Genetics/Laboratory Corporation of America, LabCorp
Classification: Uncertain significance. Last evaluated: 2022-11-14. Review status: criteria provided, single submitter. Criteria: LabCorp Variant Classification Summary - May 2015. Collection method: clinical testing. Allele origin: germline.
Comment: Variant summary: TTN c.41663G>A (p.Arg13888His) results in a non-conservative amino acid change located in the A-band region of the encoded protein sequence. Three of four in-silico tools predict a damaging effect of the variant on protein function. The variant allele was found at a frequency of 5.3e-05 in 243908 control chromosomes (gnomAD). This frequency is not higher than expected for a pathogenic variant in TTN causing Dilated Cardiomyopathy (5.3e-05 vs 0.00039), allowing no conclusion about variant significance. c.41663G>A has been reported in the literature in a sudden unexpected death case (Scheiper_2018). This report does not provide unequivocal conclusions about association of the variant with Dilated Cardiomyopathy. To our knowledge, no experimental evidence demonstrating an impact on protein function has been reported. Three ClinVar submitters (evaluation after 2014) cite the variant as benign, likely benign and uncertain significance. Based on the evidence outlined above, the variant was classified as uncertain significance.

Ambry Genetics
Classification: Likely benign for Cardiovascular phenotype. Last evaluated: 2020-06-22. Review status: criteria provided, single submitter. Criteria: Ambry Variant Classification Scheme 2023. Collection method: clinical testing. Allele origin: germline.

Revvity Omics, Revvity
Classification: Uncertain significance. Last evaluated: 2019-12-09. Review status: criteria provided, single submitter. Criteria: ACMG Guidelines, 2015. Collection method: clinical testing. Allele origin: germline.

GeneDx
Classification: Likely benign. Last evaluated: 2018-05-31. Review status: criteria provided, single submitter. Criteria: GeneDx Variant Classification (06012015). Collection method: clinical testing. Allele origin: germline. Affected: yes.
Comment: This variant is considered likely benign or benign based on one or more of the following criteria: it is a conservative change, it occurs at a poorly conserved position in the protein, it is predicted to be benign by multiple in silico algorithms, and/or has population frequency not consistent with disease.

Illumina Laboratory Services, Illumina
Classification: Uncertain significance for Autosomal recessive limb-girdle muscular dystrophy type 2J. Last evaluated: 2018-01-12. Review status: criteria provided, single submitter. Criteria: ICSL Variant Classification Criteria 13 December 2019. Collection method: clinical testing. Allele origin: germline.

Illumina Laboratory Services, Illumina
Classification: Benign for Tibial muscular dystrophy. Last evaluated: 2018-01-12. Review status: criteria provided, single submitter. Criteria: ICSL Variant Classification Criteria 13 December 2019. Collection method: clinical testing. Allele origin: germline.
Comment: This variant was observed in the ICSL laboratory as part of a predisposition screen in an ostensibly healthy population. It had not been previously curated by ICSL or reported in the Human Gene Mutation Database (HGMD: prior to June 1st, 2018), and was therefore a candidate for classification through an automated scoring system. Utilizing variant allele frequency, disease prevalence and penetrance estimates, and inheritance mode, an automated score was calculated to assess if this variant is too frequent to cause the disease. Based on the score and internal cut-off values, a variant classified as benign is not then subjected to further curation. The score for this variant resulted in a classification of benign for this disease.

Illumina Laboratory Services, Illumina
Classification: Uncertain significance for Early-onset myopathy with fatal cardiomyopathy. Last evaluated: 2018-01-12. Review status: criteria provided, single submitter. Criteria: ICSL Variant Classification Criteria 13 December 2019. Collection method: clinical testing. Allele origin: germline.

Illumina Laboratory Services, Illumina
Classification: Benign for Myopathy, myofibrillar, 9, with early respiratory failure. Last evaluated: 2018-01-12. Review status: criteria provided, single submitter. Criteria: ICSL Variant Classification Criteria 13 December 2019. Collection method: clinical testing. Allele origin: germline.
Comment: the same text as in the submission from Illumina Laboratory Services, Illumina above.

Illumina Laboratory Services, Illumina
Classification: Uncertain significance for Dilated cardiomyopathy 1G. Last evaluated: 2018-01-12. Review status: criteria provided, single submitter. Criteria: ICSL Variant Classification Criteria 13 December 2019. Collection method: clinical testing. Allele origin: germline.

Biesecker Lab/Clinical Genomics Section, National Institutes of Health
Classification: Uncertain significance. Last evaluated: 2013-06-24. Review status: criteria provided, single submitter. Criteria: Ng et al. (Circ Cardiovasc Genet. 2013). Collection method: research. Allele origin: unknown. Observed: 1 variant allele. Study: ClinSeq.
Comment: The study set was not selected for affection status in relation to any cancer. Pathogenicity categories were based on literature curation. See Pubmed ID:23861362 for details.

Medical sequencing

Literature cited by the submitters: PubMed 30415094 (cited by Women's Health and Genetics/Laboratory Corporation of America, LabCorp and Ambry Genetics).